The following is an entry in ClinVar:

ClinVar aggregate classification (germline): Uncertain significance (1 of 4 stars; one submission).

Conditions:
Epidermolysis bullosa simplex 5B, with muscular dystrophy (EBS5B). Also called: EPIDERMOLYSIS BULLOSA SIMPLEX AND LIMB-GIRDLE MUSCULAR DYSTROPHY; Epidermolysis bullosa simplex with muscular dystrophy. Identifiers: Orphanet 257, MedGen C2931072, MONDO:0009181, OMIM 226670.
Epidermolysis bullosa simplex, Ogna type (EBS5A). Also called: Pidermolysis bullosa simplex 5A, Ogna type; EPIDERMOLYSIS BULLOSA SIMPLEX 5A, OGNA TYPE. Identifiers: Orphanet 79401, MedGen C0432317, MONDO:0007555, OMIM 131950.
Epidermolysis bullosa simplex 5C, with pyloric atresia (EBS5C). Also called: Epidermolysis bullosa simplex with pyloric atresia; PLEC-Related Epidermolysis Bullosa with Pyloric Atresia; PLEC1-Related Epidermolysis Bullosa with Pyloric Atresia. Identifiers: Orphanet 158684, MedGen C2677349, MONDO:0012807, OMIM 612138.
Epidermolysis bullosa simplex with nail dystrophy (EBS5D). Identifiers: MedGen C4225309, MONDO:0014661, OMIM 616487.
Autosomal recessive limb-girdle muscular dystrophy type 2Q (LGMDR17). Also called: MUSCULAR DYSTROPHY, LIMB-GIRDLE, AUTOSOMAL RECESSIVE 17. Identifiers: Orphanet 254361, MedGen C3150989, MONDO:0013390, OMIM 613723.

Submission:

Labcorp Genetics (formerly Invitae), Labcorp
Classification: Uncertain significance for Autosomal recessive limb-girdle muscular dystrophy type 2Q; Epidermolysis bullosa simplex, Ogna type; Epidermolysis bullosa simplex with nail dystrophy; Epidermolysis bullosa simplex 5C, with pyloric atresia; Epidermolysis bullosa simplex 5B, with muscular dystrophy. Last evaluated: 2024-10-16. Review status: criteria provided, single submitter. Criteria: Invitae Variant Classification Sherloc (09022015). Collection method: clinical testing. Allele origin: germline.
Comment: This variant, c.13560_13571del, results in the deletion of 4 amino acid(s) of the PLEC protein (p.Thr4522_Arg4525del), but otherwise preserves the integrity of the reading frame. This variant is present in population databases (rs782472576, gnomAD 0.03%). This variant has not been reported in the literature in individuals affected with PLEC-related conditions. ClinVar contains an entry for this variant (Variation ID: 941519). Experimental studies and prediction algorithms are not available or were not evaluated, and the functional significance of this variant is currently unknown. In summary, the available evidence is currently insufficient to determine the role of this variant in disease. Therefore, it has been classified as a Variant of Uncertain Significance.

NM_201384.3(PLEC):c.13479_13490del (p.4491TGSR[1])

Gene: PLEC (plectin; minus strand). Cytogenetic location: 8q24.3.
Variant type: Deletion.
Coding change: c.13479_13490del on transcript NM_201384.3 (MANE Select); coding-DNA positions 13479 to 13490, 12 bases deleted (GCGCACCGGCTC).
Protein change: p.4491TGSR[1].
Molecular consequence: inframe deletion.
Genome position (GRCh38, 1-based): chr8:143,916,331-143,916,342, GAGCCGGTGCGC deleted on the plus strand (GCGCACCGGCTC on the coding strand, the reverse complement: PLEC is on the minus strand); deleting any 12 consecutive bases within chr8:143,916,331-143,916,353 gives the same sequence; the c. name uses the placement nearest the transcript's 3' end. VCF-style (leftmost placement, unchanged base first): chr8-143916330-GGAGCCGGTGCGC-G. GRCh37 (hg19) VCF-style: chr8-144990498-GGAGCCGGTGCGC-G.
Other names: c.13560_13571del, p.4518TGSR[1] (NM_000445.5); c.13437_13448del, p.4477TGSR[1] (NM_201378.4); c.13413_13424del, p.4469TGSR[1] (NM_201379.3); c.13890_13901del, p.4628TGSR[1] (NM_201380.4); c.13383_13394del, p.4459TGSR[1] (NM_201381.3); c.13479_13490del, p.4491TGSR[1] (NM_201382.4); c.13491_13502del, p.4495TGSR[1] (NM_201383.3).
Identifiers: ClinVar variation 941519 (VCV000941519.8), dbSNP rs782472576, ClinGen allele CA4923782.